The following is an entry in ClinVar:

NM_022095.4(ZNF335):c.145G>A (p.Ala49Thr)

Gene: ZNF335 (zinc finger protein 335; minus strand). Cytogenetic location: 20q13.12.
Variant type: single nucleotide variant.
Coding change: c.145G>A on transcript NM_022095.4 (MANE Select); coding-DNA position 145, G replaced by A.
Protein change: p.Ala49Thr; replaces alanine 49 with threonine.
Molecular consequence: missense variant.
Genome position (GRCh38, 1-based): chr20:45,971,266, C>T on the plus strand (G>A on the coding strand, the complement: ZNF335 is on the minus strand). VCF-style: chr20-45971266-C-T. GRCh37 (hg19) VCF-style: chr20-44599905-C-T.
Other names: short protein forms A49T.
Identifiers: ClinVar variation 1598394 (VCV001598394.9), dbSNP rs747875701, ClinGen allele CA9886212.

ClinVar aggregate classification (germline): Likely benign. Review status: criteria provided, multiple submitters, no conflicts (2 of 4 stars). 2 submissions from 2 submitters: Likely benign (2). Last evaluated 2026-07-01.

Allele frequency attached by ClinVar (database versions not stated): TOPMed 0.00004; ExAC 0.00043; gnomAD 0.00043 and 0.00040; gnomAD exomes 0.00013 and 0.00031.
gnomAD v4.1: 246 of 1,567,198 alleles (0.016%); highest among the groups gnomAD compares: Admixed American, 0.0037%; 2 homozygotes.

Submissions (2):

CeGaT Center for Human Genetics Tuebingen
Classification: Likely benign. Last evaluated: 2026-07-01. Review status: criteria provided, single submitter. Criteria: CeGaT Center For Human Genetics Tuebingen Variant Classification Criteria Version 2. Collection method: clinical testing. Allele origin: germline. Affected: yes. Observed: 1 variant allele.
Comment: ZNF335: BP4, BS2

Labcorp Genetics (formerly Invitae), Labcorp
Classification: Likely benign. Last evaluated: 2025-04-19. Review status: criteria provided, single submitter. Criteria: Invitae Variant Classification Sherloc (09022015). Collection method: clinical testing. Allele origin: germline.